The following is an entry in ClinVar:

ClinVar aggregate classification (germline): Likely benign (1 of 4 stars; one submission).

Conditions:
GNAS-related disorder. Identifiers: MedGen CN380105.

gnomAD v4.1: 8 of 1,613,898 alleles (0.0005%); highest among the groups gnomAD compares: South Asian, 0.0055%; no homozygotes.

Submission:

PreventionGenetics, part of Exact Sciences
Classification: Likely benign for GNAS-related condition. Last evaluated: 2025-09-29. Review status: criteria provided, single submitter. Criteria: ACMG Guidelines, 2015. Collection method: clinical testing. Allele origin: germline.
Comment: This variant is classified as likely benign based on ACMG/AMP sequence variant interpretation guidelines (Richards et al. 2015 PMID: 25741868, with internal and published modifications).

NM_000516.7(GNAS):c.432C>G (p.Pro144=)

Gene: GNAS (GNAS complex locus; plus strand). Cytogenetic location: 20q13.32.
Variant type: single nucleotide variant.
Coding change: c.432C>G on transcript NM_000516.7 (MANE Select); coding-DNA position 432, C replaced by G.
Protein change: p.Pro144=; no amino-acid change (proline 144 retained).
Molecular consequence: synonymous variant. On other transcripts: 3 prime UTR variant (2).
Genome position (GRCh38, 1-based): chr20:58,903,791, C>G. VCF-style: chr20-58903791-C-G. GRCh37 (hg19) VCF-style: chr20-57478846-C-G.
Other names: c.435C>G, p.Pro145= (NM_001077488.5); c.387C>G, p.Pro129= (NM_001077489.4); c.*293C>G (NM_001077490.3); c.255C>G, p.Pro85= (NM_001309840.2, NM_001309861.2, NM_001438276.1 and 1 more transcripts); c.336C>G, p.Pro112= (NM_001410912.1); c.2316C>G, p.Pro772= (NM_001410913.1); c.210C>G, p.Pro70= (NM_001438273.1, NM_001438274.1, NM_001438275.1); c.*338C>G (NM_016592.5); and 2 more.
Identifiers: ClinVar variation 4988178 (VCV004988178.1).